The following is an entry in ClinVar:

NM_004369.4(COL6A3):c.3955G>A (p.Val1319Met)

Gene: COL6A3 (collagen type VI alpha 3 chain; minus strand). Cytogenetic location: 2q37.3.
Variant type: single nucleotide variant.
Coding change: c.3955G>A on transcript NM_004369.4 (MANE Select); coding-DNA position 3955, G replaced by A.
Protein change: p.Val1319Met; replaces valine 1319 with methionine.
Molecular consequence: missense variant.
Genome position (GRCh38, 1-based): chr2:237,372,062, C>T on the plus strand (G>A on the coding strand, the complement: COL6A3 is on the minus strand). VCF-style: chr2-237372062-C-T. GRCh37 (hg19) VCF-style: chr2-238280705-C-T.
Other names: c.2734G>A, p.Val912Met (NM_057164.5); c.3337G>A, p.Val1113Met (NM_057165.5, NM_057167.4); c.2134G>A, p.Val712Met (NM_057166.5); short protein forms V712M, V1113M, V912M, V1319M.
Identifiers: ClinVar variation 2740861 (VCV002740861.3), dbSNP rs866330385, ClinGen allele CA351197925.

ClinVar aggregate classification (germline): Uncertain significance (1 of 4 stars; one submission).

Conditions:
Bethlem myopathy 1A. Also called: Bethlem myopathy 1; Bethlem Muscular Dystrophy; MYOPATHY, BENIGN CONGENITAL, WITH CONTRACTURES. Identifiers: Orphanet 610, MedGen CN029274, MONDO:0024530, OMIM 158810.

Allele frequency attached by ClinVar (database versions not stated): gnomAD exomes 0.00001.
gnomAD v4.1: 8 of 1,614,098 alleles (0.0005%); highest among the groups gnomAD compares: East Asian, 0.0045%; no homozygotes.

Submission:

Labcorp Genetics (formerly Invitae), Labcorp
Classification: Uncertain significance for Bethlem myopathy 1A. Last evaluated: 2025-10-20. Review status: criteria provided, single submitter. Criteria: Invitae Variant Classification Sherloc (09022015). Collection method: clinical testing. Allele origin: germline.
Comment: This sequence change replaces valine, which is neutral and non-polar, with methionine, which is neutral and non-polar, at codon 1319 of the COL6A3 protein (p.Val1319Met). This variant is not present in population databases (gnomAD no frequency). This variant has not been reported in the literature in individuals affected with COL6A3-related conditions. ClinVar contains an entry for this variant (Variation ID: 2740861). Invitae Evidence Modeling of protein sequence and biophysical properties (such as structural, functional, and spatial information, amino acid conservation, physicochemical variation, residue mobility, and thermodynamic stability) indicates that this missense variant is expected to disrupt COL6A3 protein function with a positive predictive value of 80%. In summary, the available evidence is currently insufficient to determine the role of this variant in disease. Therefore, it has been classified as a Variant of Uncertain Significance.